The following is an entry in ClinVar:

ClinVar aggregate classification (germline): Uncertain significance (1 of 4 stars; one submission).

Submission:

Labcorp Genetics (formerly Invitae), Labcorp
Classification: Uncertain significance. Last evaluated: 2025-04-28. Review status: criteria provided, single submitter. Criteria: Invitae Variant Classification Sherloc (09022015). Collection method: clinical testing. Allele origin: germline.
Comment: This sequence change replaces valine, which is neutral and non-polar, with phenylalanine, which is neutral and non-polar, at codon 2940 of the VCAN protein (p.Val2940Phe). This variant is not present in population databases (gnomAD no frequency). This variant has not been reported in the literature in individuals affected with VCAN-related conditions. An algorithm developed to predict the effect of missense changes on protein structure and function outputs the following: PolyPhen-2: "Benign". The phenylalanine amino acid residue is found in multiple mammalian species, which suggests that this missense change does not adversely affect protein function. In summary, the available evidence is currently insufficient to determine the role of this variant in disease. Therefore, it has been classified as a Variant of Uncertain Significance.

NM_004385.5(VCAN):c.8818G>T (p.Val2940Phe)

Genes: VCAN (versican; plus strand), VCAN-AS1 (VCAN antisense RNA 1; minus strand). Cytogenetic location: 5q14.3.
Variant type: single nucleotide variant.
Coding change: c.8818G>T on transcript NM_004385.5 (MANE Select); coding-DNA position 8818, G replaced by T.
Protein change: p.Val2940Phe; replaces valine 2940 with phenylalanine.
Molecular consequence: missense variant. On other transcripts: intron variant (2).
Genome position (GRCh38, 1-based): chr5:83,541,821, G>T. VCF-style: chr5-83541821-G-T. GRCh37 (hg19) VCF-style: chr5-82837640-G-T.
Other names: c.5857G>T, p.Val1953Phe (NM_001164097.2); c.4004-3716G>T (NM_001164098.2); c.1043-3716G>T (NM_001126336.3); short protein forms V1953F, V2940F.
Identifiers: ClinVar variation 4799287 (VCV004799287.1).